The following is an entry in ClinVar:

ClinVar aggregate classification (germline): Pathogenic (1 of 4 stars; one submission).

Conditions:
CHARGE syndrome (CHARGE). Also called: Hittner Hirsch Kreh syndrome; CHARGE ASSOCIATION--COLOBOMA, HEART ANOMALY, CHOANAL ATRESIA, RETARDATION, GENITAL AND EAR ANOMALIES; Coloboma, heart anomaly, choanal atresia, retardation, genital and ear anomalies; CHARGE association; Hall-Hittner syndrome. Identifiers: Orphanet 138, MedGen C0265354, MONDO:0008965.

Submission:

Labcorp Genetics (formerly Invitae), Labcorp
Classification: Pathogenic for CHARGE syndrome. Last evaluated: 2023-07-26. Review status: criteria provided, single submitter. Criteria: Invitae Variant Classification Sherloc (09022015). Collection method: clinical testing. Allele origin: germline.
Comment: This sequence change creates a premature translational stop signal (p.Ser417Asnfs*43) in the CHD7 gene. It is expected to result in an absent or disrupted protein product. Loss-of-function variants in CHD7 are known to be pathogenic (PMID: 22461308, 25077900). This variant is not present in population databases (gnomAD no frequency). This variant has not been reported in the literature in individuals affected with CHD7-related conditions. For these reasons, this variant has been classified as Pathogenic.

Literature cited by the submitters: PubMed 22461308; PubMed 25077900.

NM_017780.4(CHD7):c.1250_1259del (p.Ser417fs)

Gene: CHD7 (chromodomain helicase DNA binding protein 7; plus strand). Cytogenetic location: 8q12.2.
Variant type: Deletion.
Coding change: c.1250_1259del on transcript NM_017780.4 (MANE Select); coding-DNA positions 1250 to 1259, 10 bases deleted (GTGCTGGGAT; older notation c.1250_1259delGTGCTGGGAT).
Protein change: p.Ser417fs; shifts the reading frame from serine 417.
Molecular consequence: frameshift variant.
Genome position (GRCh38, 1-based): chr8:60,742,682-60,742,691, GTGCTGGGAT deleted. VCF-style (leftmost placement, unchanged base first): chr8-60742681-AGTGCTGGGAT-A. GRCh37 (hg19) VCF-style: chr8-61655240-AGTGCTGGGAT-A.
Other names: c.1250_1259del, p.Ser417fs (NM_001316690.1); short protein forms S417fs.
Identifiers: ClinVar variation 2747078 (VCV002747078.3), dbSNP rs2487279652, ClinGen allele CA2697549945.